The following is an entry in ClinVar:

ClinVar aggregate classification (germline): Conflicting classifications of pathogenicity. Review status: criteria provided, conflicting classifications (1 of 4 stars). 3 submissions from 3 submitters: Uncertain significance (2); Likely benign (1). Last evaluated 2025-06-01.

Conditions:
Breast-ovarian cancer, familial, susceptibility to, 4. Identifiers: Orphanet 145, MedGen C3280345, MONDO:0013669, OMIM 614291.
Hereditary cancer-predisposing syndrome. Also called: Neoplastic Syndromes, Hereditary; Tumor predisposition; Hereditary neoplastic syndrome; Hereditary Cancer Syndrome. Identifiers: Orphanet 140162, MedGen C0027672, MeSH D009386, MONDO:0015356.
Familial ovarian cancer. Identifiers: MedGen C5679802, MONDO:0016248.

Submissions (3):

Labcorp Genetics (formerly Invitae), Labcorp
Classification: Uncertain significance for Breast-ovarian cancer, familial, susceptibility to, 4. Last evaluated: 2025-06-01. Review status: criteria provided, single submitter. Criteria: Invitae Variant Classification Sherloc (09022015). Collection method: clinical testing. Allele origin: germline.
Comment: This sequence change falls in intron 9 of the RAD51D gene. It does not directly change the encoded amino acid sequence of the RAD51D protein. This variant is not present in population databases (gnomAD no frequency). This variant has not been reported in the literature in individuals affected with RAD51D-related conditions. ClinVar contains an entry for this variant (Variation ID: 628048). Algorithms developed to predict the effect of sequence changes on RNA splicing suggest that this variant may disrupt the consensus splice site. In summary, the available evidence is currently insufficient to determine the role of this variant in disease. Therefore, it has been classified as a Variant of Uncertain Significance.

Molecular Pathology, Peter Maccallum Cancer Centre
Classification: Uncertain significance for Familial ovarian cancer. Last evaluated: 2024-08-07. Review status: criteria provided, single submitter. Criteria: ACMG Guidelines, 2015. Collection method: clinical testing. Allele origin: germline. Inheritance: Autosomal dominant inheritance.

Color Diagnostics, LLC DBA Color Health
Classification: Likely benign for Hereditary cancer-predisposing syndrome. Last evaluated: 2015-09-21. Review status: criteria provided, single submitter. Criteria: ACMG Guidelines, 2015. Collection method: clinical testing. Allele origin: germline.

NM_002878.4(RAD51D):c.904-14_904-11del

Genes: RAD51D (RAD51 paralog D; minus strand), RAD51L3-RFFL (RAD51L3-RFFL readthrough; minus strand). Cytogenetic location: 17q12.
Variant type: Deletion.
Coding change: c.904-14_904-11del on transcript NM_002878.4 (MANE Select); 14 bases into the intron before coding-DNA position 904 through 11 bases into the intron before coding-DNA position 904, 4 bases deleted (ACTT; older notation c.904-14_904-11delACTT).
Molecular consequence: intron variant.
Genome position (GRCh38, 1-based): chr17:35,101,047-35,101,050, AAGT deleted on the plus strand (ACTT on the coding strand, the reverse complement: RAD51D is on the minus strand); deleting any 4 consecutive bases within chr17:35,101,047-35,101,053 gives the same sequence; the c. name uses the placement nearest the transcript's 3' end. VCF-style (leftmost placement, unchanged base first): chr17-35101046-GAAGT-G. GRCh37 (hg19) VCF-style: chr17-33428065-GAAGT-G.
Other names: c.904-14_904-11delACTT (NM_002878.3); c.568-14_568-11del (NM_133629.3); c.964-14_964-11del (NM_001142571.2).
Identifiers: ClinVar variation 628048 (VCV000628048.9), dbSNP rs1357935702, ClinGen allele CA499728678.
Genomic context (GRCh38, chr17:35,101,046, plus strand): 5'-CTCTGAGGTCCCCCAGGTCCCAATGTCTACCATCTCCTGGAAACCTGTTGGCTGGAAGAA[GAAGT>G]AAGGAGTCAGTGGAGTTAAGCAACCCAAGTGGGTAGCTTCTTTAGTTGCAAGGTTTCAGC-3'